The following is an entry in ClinVar:

ClinVar aggregate classification (germline): Uncertain significance (1 of 4 stars; one submission).

Allele frequency attached by ClinVar (database versions not stated): gnomAD exomes below 0.00001; TOPMed below 0.00001.
gnomAD v4.1: 1 of 1,551,752 alleles (0.000064%); highest among the groups gnomAD compares: African/African-American, 0.0014%; no homozygotes.

Submission:

Labcorp Genetics (formerly Invitae), Labcorp
Classification: Uncertain significance. Last evaluated: 2024-10-22. Review status: criteria provided, single submitter. Criteria: Invitae Variant Classification Sherloc (09022015). Collection method: clinical testing. Allele origin: germline.
Comment: This sequence change replaces histidine, which is basic and polar, with glutamine, which is neutral and polar, at codon 1732 of the TET2 protein (p.His1732Gln). This variant is not present in population databases (gnomAD no frequency). This variant has not been reported in the literature in individuals affected with TET2-related conditions. ClinVar contains an entry for this variant (Variation ID: 2014195). An algorithm developed to predict the effect of missense changes on protein structure and function (PolyPhen-2) suggests that this variant is likely to be tolerated. In summary, the available evidence is currently insufficient to determine the role of this variant in disease. Therefore, it has been classified as a Variant of Uncertain Significance.

NM_001127208.3(TET2):c.5196C>G (p.His1732Gln)

Genes: TET2 (tet methylcytosine dioxygenase 2; plus strand), TET2-AS1 (TET2 antisense RNA 1; minus strand). Cytogenetic location: 4q24.
Variant type: single nucleotide variant.
Coding change: c.5196C>G on transcript NM_001127208.3 (MANE Select); coding-DNA position 5196, C replaced by G.
Protein change: p.His1732Gln; replaces histidine 1732 with glutamine.
Molecular consequence: missense variant.
Genome position (GRCh38, 1-based): chr4:105,275,706, C>G. VCF-style: chr4-105275706-C-G. GRCh37 (hg19) VCF-style: chr4-106196863-C-G.
Other names: short protein forms H1732Q.
Identifiers: ClinVar variation 2014195 (VCV002014195.4), dbSNP rs1731182222, ClinGen allele CA357814914.
Genomic context (GRCh38, chr4:105,275,706, plus strand): 5'-ACCAAATGTACATCATGTAGGGAAATTGCCTCCTTATCCCACTCATGAGATGGATGGCCA[C>G]TTCATGGGAGCCACCTCTAGATTACCACCCAATCTGAGCAATCCAAACATGGACTATAAA-3'
Protein context (NP_001120680.1, residues 1722-1742): PPYPTHEMDG[His1732Gln]FMGATSRLPP